The following is an entry in ClinVar:

ClinVar aggregate classification (germline): Likely pathogenic (1 of 4 stars; one submission).

Conditions:
Hereditary breast ovarian cancer syndrome. Also called: BRCA1- and BRCA2-Associated Hereditary Breast and Ovarian Cancer; Hereditary breast and ovarian cancer; Hereditary breast and ovarian cancer syndrome (HBOC); Hereditary breast and/or ovarian cancer syndrome; Hereditary breast and ovarian cancer syndrome; Breast and ovarian cancer. Identifiers: Orphanet 145, MedGen C0677776, MeSH D061325, MONDO:0003582. Disease mechanism: loss of function.

Submission:

German Consortium for Hereditary Breast and Ovarian Cancer, University Hospital Cologne
Classification: Likely pathogenic for Hereditary breast ovarian cancer syndrome. Last evaluated: 2025-08-13. Review status: criteria provided, single submitter. Criteria: ACMG Guidelines, 2015. Collection method: curation. Allele origin: germline.
Comment: This classification follows the ACMG SVI adaptation classification scheme; We chose these criteria: PVS1 (very strong pathogenic): RNA-Analysis: skipping exon 12, r.1629_1794del, p.(Phe544Profs*14), predicted to undergo NMD; monoallelic expression of WT product., PM2 (supporting pathogenic): absent from gnomAD v4/3/2

NM_032043.3(BRIP1):c.1794G>A (p.Val598=)

Gene: BRIP1 (BRCA1 interacting DNA helicase 1; minus strand). Cytogenetic location: 17q23.2.
Variant type: single nucleotide variant.
Coding change: c.1794G>A on transcript NM_032043.3 (MANE Select); coding-DNA position 1794, G replaced by A.
Protein change: p.Val598=; no amino-acid change (valine 598 retained).
Molecular consequence: synonymous variant.
Genome position (GRCh38, 1-based): chr17:61,780,840, C>T on the plus strand (G>A on the coding strand, the complement: BRIP1 is on the minus strand). VCF-style: chr17-61780840-C-T. GRCh37 (hg19) VCF-style: chr17-59858201-C-T.
Identifiers: ClinVar variation 4082275 (VCV004082275.1).
Genomic context (GRCh38, chr17:61,780,840, plus strand): 5'-TTTATTAAAATGCTGGTACTGAGCAAGAAGACAAAATTTCCATTTACATGATGAGCTTAC[C>T]ACAGCTGGATTTAAGCACCAAAAGTTTAGCACATGAACTGCAGTTTTCTGTCGTGAACGT-3'
Protein context (NP_114432.2, residues 588-608): VLNFWCLNPA[Val598=]AFSDINGKVQ